The following is an entry in ClinVar:

NM_020631.6(PLEKHG5):c.-88+6314G>A

Gene: PLEKHG5 (pleckstrin homology and RhoGEF domain containing G5; minus strand). Cytogenetic location: 1p36.31.
Variant type: single nucleotide variant.
Coding change: c.-88+6314G>A on transcript NM_020631.6 (MANE Select); 6314 bases into the intron after 88 bases upstream of the start codon, G replaced by A.
Molecular consequence: intron variant. On other transcripts: splice donor variant (1).
Genome position (GRCh38, 1-based): chr1:6,485,323, C>T on the plus strand (G>A on the coding strand, the complement: PLEKHG5 is on the minus strand). VCF-style: chr1-6485323-C-T. GRCh37 (hg19) VCF-style: chr1-6545383-C-T.
Other names: c.-87-7665G>A (NM_198681.4); c.25-7665G>A (NM_001042663.3, NM_001265592.2); c.-88+5122G>A (NM_001265594.3, NM_001042664.2); c.-88+513G>A (NM_001042665.2); c.120+1G>A (NM_001265593.2).
Identifiers: ClinVar variation 4991064 (VCV004991064.1).
Genomic context (GRCh38, chr1:6,485,323, plus strand): 5'-GGGCGGCTGCAGGCGAGAACTGGGCACCCAGCCCCGTTCCCGCCCCGTCCCGGCCCCGTA[C>T]CTGGCTATCACCGTCGCGGGCACGACCCCCGGCCCAGGAGGGCTCCGAGTCCCGGAGGGG-3'

ClinVar aggregate classification (germline): Uncertain significance (1 of 4 stars; one submission).

Conditions:
PLEKHG5-related disorder. Also called: PLEKHG5-related condition.

gnomAD v4.1: 16 of 1,420,230 alleles (0.0011%); highest among the groups gnomAD compares: African/African-American, 0.024%; no homozygotes.

Submission:

PreventionGenetics, part of Exact Sciences
Classification: Uncertain significance for PLEKHG5-related condition. Last evaluated: 2025-03-20. Review status: criteria provided, single submitter. Criteria: ACMG Guidelines, 2015. Collection method: clinical testing. Allele origin: germline.
Comment: The PLEKHG5 c.120+1G>A variant is predicted to disrupt the GT donor site and interfere with normal splicing. To our knowledge, this variant has not been reported in the literature. This variant is reported in 0.033% of alleles in individuals of African descent in gnomAD. At this time, the clinical significance of this variant is uncertain due to the absence of conclusive functional and genetic evidence.